The following is an entry in ClinVar:

ClinVar aggregate classification (germline): Uncertain significance (1 of 4 stars; one submission).

Conditions:
RYR1-related disorder. Also called: RYR1-related condition; RYR1-related disorders. Identifiers: MedGen CN239331.

gnomAD v4.1: 2 of 1,613,628 alleles (0.00012%); highest among the groups gnomAD compares: African/African-American, 0.0027%; no homozygotes.

Submission:

PreventionGenetics, part of Exact Sciences
Classification: Uncertain significance for RYR1-related condition. Last evaluated: 2026-04-28. Review status: criteria provided, single submitter. Criteria: ACMG Guidelines, 2015. Collection method: clinical testing. Allele origin: germline.
Comment: The RYR1 c.8893C>A variant is predicted to result in the amino acid substitution p.Arg2965Ser. To our knowledge, this variant has not been reported in the literature. This variant is reported in 0.012% of alleles in individuals of African descent in gnomAD. At this time, the clinical significance of this variant is uncertain due to the absence of conclusive functional and genetic evidence.

NM_000540.3(RYR1):c.8893C>A (p.Arg2965Ser)

Gene: RYR1 (ryanodine receptor 1; plus strand). Cytogenetic location: 19q13.2.
Variant type: single nucleotide variant.
Coding change: c.8893C>A on transcript NM_000540.3 (MANE Select); coding-DNA position 8893, C replaced by A.
Protein change: p.Arg2965Ser; replaces arginine 2965 with serine.
Molecular consequence: missense variant.
Genome position (GRCh38, 1-based): chr19:38,507,788, C>A. VCF-style: chr19-38507788-C-A. GRCh37 (hg19) VCF-style: chr19-38998428-C-A.
Other names: c.8893C>A, p.Arg2965Ser (NM_001042723.2); short protein forms R2965S.
Identifiers: ClinVar variation 4977445 (VCV004977445.1).
Genomic context (GRCh38, chr19:38,507,788, plus strand): 5'-GAACTGGACTCGTCTTCCATTGAAAAGCGGTTTGCCTTTGGCTTCCTGCAGCAGCTGCTG[C>A]GCTGGATGGACATTTCTCAGGAGTTCATTGCCCACCTGGGTACGGAGAAATACCCCCCGC-3'
Protein context (NP_000531.2, residues 2955-2975): FAFGFLQQLL[Arg2965Ser]WMDISQEFIA